The following is an entry in ClinVar:

NM_005908.4(MANBA):c.2179T>A (p.Ser727Thr)

Gene: MANBA (mannosidase beta; minus strand). Cytogenetic location: 4q24.
Variant type: single nucleotide variant.
Coding change: c.2179T>A on transcript NM_005908.4 (MANE Select); coding-DNA position 2179, T replaced by A.
Protein change: p.Ser727Thr; replaces serine 727 with threonine.
Molecular consequence: missense variant.
Genome position (GRCh38, 1-based): chr4:102,635,024, A>T on the plus strand (T>A on the coding strand, the complement: MANBA is on the minus strand). VCF-style: chr4-102635024-A-T. GRCh37 (hg19) VCF-style: chr4-103556181-A-T.
Other names: short protein forms S727T.
Identifiers: ClinVar variation 1810616 (VCV001810616.2), dbSNP rs1004154185, ClinGen allele CA102712340.
Genomic context (GRCh38, chr4:102,635,024, plus strand): 5'-CAGCCTCTCCTCCTTTCATCACAAAACGTTCAGTCACACGAGAGCACACGGGCTCCAGGG[A>T]GCTCCATGTATGGACTCTCACCTGGGGAGAAATAAAACAGAATAAAAACAGGCATTCTTG-3'
Protein context (NP_005899.3, residues 717-737): TLSVRVHTWS[Ser727Thr]LEPVCSRVTE

ClinVar aggregate classification (germline): Uncertain significance (1 of 4 stars; one submission).

Allele frequency attached by ClinVar (database versions not stated): TOPMed 0.00004; gnomAD exomes 0.00003; gnomAD 0.00004.

Submission:

GeneDx
Classification: Uncertain significance. Last evaluated: 2025-07-16. Review status: criteria provided, single submitter. Criteria: GeneDx Variant Classification Process June 2021. Collection method: clinical testing. Allele origin: germline.
Comment: Not observed at significant frequency in large population cohorts (gnomAD); Has not been previously published as pathogenic or benign to our knowledge; In silico analysis suggests that this missense variant does not alter protein structure/function